The following is an entry in ClinVar:

ClinVar aggregate classification (germline): Uncertain significance (1 of 4 stars; one submission).

Conditions:
Hereditary cancer-predisposing syndrome. Also called: Neoplastic Syndromes, Hereditary; Tumor predisposition; Hereditary Cancer Syndrome; Hereditary neoplastic syndrome. Identifiers: Orphanet 140162, MedGen C0027672, MeSH D009386, MONDO:0015356.

Allele frequency attached by ClinVar (database versions not stated): TOPMed 0.00001.

Submission:

Ambry Genetics
Classification: Uncertain significance for Hereditary cancer-predisposing syndrome. Last evaluated: 2025-01-02. Review status: criteria provided, single submitter. Criteria: Ambry Variant Classification Scheme 2023. Collection method: clinical testing. Allele origin: germline.
Comment: The p.V525G variant (also known as c.1574T>G), located in coding exon 11 of the BMPR1A gene, results from a T to G substitution at nucleotide position 1574. The valine at codon 525 is replaced by glycine, an amino acid with dissimilar properties. This amino acid position is highly conserved in available vertebrate species. In addition, this alteration is predicted to be deleterious by in silico analysis. Based on the available evidence, the clinical significance of this variant remains unclear.

NM_004329.3(BMPR1A):c.1574T>G (p.Val525Gly)

Gene: BMPR1A (bone morphogenetic protein receptor type 1A; plus strand). Cytogenetic location: 10q23.2.
Variant type: single nucleotide variant.
Coding change: c.1574T>G on transcript NM_004329.3 (MANE Select); coding-DNA position 1574, T replaced by G.
Protein change: p.Val525Gly; replaces valine 525 with glycine.
Molecular consequence: missense variant.
Genome position (GRCh38, 1-based): chr10:86,923,694, T>G. VCF-style: chr10-86923694-T-G. GRCh37 (hg19) VCF-style: chr10-88683451-T-G.
Other names: c.1574T>G, p.Val525Gly (NM_001406579.1, NM_001406580.1, NM_001406581.1 and 19 more transcripts); c.1568T>G, p.Val523Gly (NM_001406583.1); c.1490T>G, p.Val497Gly (NM_001406584.1, NM_001406585.1, NM_001406586.1 and 2 more transcripts); c.1232T>G, p.Val411Gly (NM_001406589.1); c.1649T>G, p.Val550Gly (NM_001406559.1); c.1622T>G, p.Val541Gly (NM_001406560.1); short protein forms V523G, V525G, V497G, V550G, V411G, V541G.
Identifiers: ClinVar variation 1775563 (VCV001775563.3), dbSNP rs1054284858, ClinGen allele CA211211792.
Genomic context (GRCh38, chr10:86,923,694, plus strand): 5'-CCCACAATCCAGCCTCCAGACTCACAGCATTGAGAATTAAGAAGACGCTTGCCAAGATGG[T>G]TGAATCCCAAGATGTAAAAATCTGATGGTTAAACCATCGGAGGAGAAACTCTAGACTGCA-3'
Protein context (NP_004320.2, residues 515-532): LRIKKTLAKM[Val525Gly]ESQDVKI